The following is an entry in ClinVar:

NM_182894.3(VSX2):c.64_65delinsATT (p.Ser22fs)

Gene: VSX2 (visual system homeobox 2; plus strand). Cytogenetic location: 14q24.3.
Variant type: Indel.
Coding change: c.64_65delinsATT on transcript NM_182894.3 (MANE Select); coding-DNA positions 64 to 65, TC replaced by ATT.
Protein change: p.Ser22fs; shifts the reading frame from serine 22.
Molecular consequence: frameshift variant.
Genome position (GRCh38, 1-based): chr14:74,239,625-74,239,626, TC replaced by ATT. VCF-style: chr14-74239625-TC-ATT. GRCh37 (hg19) VCF-style: chr14-74706328-TC-ATT.
Other names: short protein forms S22fs.
Identifiers: ClinVar variation 5010451 (VCV005010451.1).
Genomic context (GRCh38, chr14:74,239,625, plus strand): 5'-ACGGGGAAAGCAGGGGAAGCGCTGAGCAAGCCCAAATCCGAGACAGTGGCCAAGAGTACC[TC>ATT]GGGGGGCGCCCCGGCCAGGTGCACTGGGTTCGGCATCCAGGAGATCCTGGGCTTGAACAA-3'

ClinVar aggregate classification (germline): Pathogenic (1 of 4 stars; one submission).

Conditions:
Microphthalmia, isolated, with coloboma 3 (MCOPCB3). Also called: MICROPHTHALMIA/COLOBOMA 3; MICROPHTHALMIA, COLOBOMATOUS, 3. Identifiers: Orphanet 98938, MedGen C1864721, MONDO:0012408, OMIM 610092.

Submission:

Myriad Genetics, Inc.
Classification: Pathogenic for Microphthalmia, isolated, with coloboma 3. Last evaluated: 2024-05-14. Review status: criteria provided, single submitter. Criteria: Myriad Autosomal Dominant, Autosomal Recessive and X-Linked Classification Criteria (2023). Collection method: clinical testing. Allele origin: unknown.
Comment: NM_182894.2(VSX2):c.64_65delTCinsATT(S22Ifs*105) is expected to be pathogenic in the context of microphthalmia, anophthalmia, and coloboma, VSX2-related. This variant is predicted to lead to an abnormal or absent protein product due to the creation of a premature termination codon in VSX2, a gene where loss-of-function variants are known to be pathogenic. Please note: this variant was assessed in the context of healthy population screening.